The following is an entry in ClinVar:

NM_015001.3(SPEN):c.1133A>G (p.Tyr378Cys)

Gene: SPEN (spen family transcriptional repressor; plus strand). Cytogenetic location: 1p36.13.
Variant type: single nucleotide variant.
Coding change: c.1133A>G on transcript NM_015001.3 (MANE Select); coding-DNA position 1133, A replaced by G.
Protein change: p.Tyr378Cys; replaces tyrosine 378 with cysteine.
Molecular consequence: missense variant.
Genome position (GRCh38, 1-based): chr1:15,911,191, A>G. VCF-style: chr1-15911191-A-G. GRCh37 (hg19) VCF-style: chr1-16237686-A-G.
Other names: short protein forms Y378C.
Identifiers: ClinVar variation 3027163 (VCV003027163.22), dbSNP rs1045144863, ClinGen allele CA18322773.

ClinVar aggregate classification (germline): Uncertain significance (1 of 4 stars; one submission).

Submission:

CeGaT Center for Human Genetics Tuebingen
Classification: Uncertain significance. Last evaluated: 2024-02-01. Review status: criteria provided, single submitter. Criteria: CeGaT Center For Human Genetics Tuebingen Variant Classification Criteria Version 2. Collection method: clinical testing. Allele origin: germline. Affected: yes. Observed: 1 variant allele.
Comment: SPEN: PM2